The following is an entry in ClinVar:

ClinVar aggregate classification (germline): Uncertain significance (1 of 4 stars; one submission).

Conditions:
Lafora disease. Also called: Epilepsy progressive myoclonic 2; Progressive Myoclonus Epilepsy, Lafora Type. Identifiers: Orphanet 501, MedGen C0751783, MONDO:0009697.

Allele frequency attached by ClinVar (database versions not stated): gnomAD exomes below 0.00001.

Submission:

Labcorp Genetics (formerly Invitae), Labcorp
Classification: Uncertain significance for Lafora disease. Last evaluated: 2025-12-31. Review status: criteria provided, single submitter. Criteria: Invitae Variant Classification Sherloc (09022015). Collection method: clinical testing. Allele origin: germline.
Comment: This sequence change replaces glycine, which is neutral and non-polar, with glutamic acid, which is acidic and polar, at codon 266 of the NHLRC1 protein (p.Gly266Glu). This variant is not present in population databases (gnomAD no frequency). This variant has not been reported in the literature in individuals affected with NHLRC1-related conditions. ClinVar contains an entry for this variant (Variation ID: 1969108). Invitae Evidence Modeling of protein sequence and biophysical properties (such as structural, functional, and spatial information, amino acid conservation, physicochemical variation, residue mobility, and thermodynamic stability) indicates that this missense variant is not expected to disrupt NHLRC1 protein function with a negative predictive value of 95%. In summary, the available evidence is currently insufficient to determine the role of this variant in disease. Therefore, it has been classified as a Variant of Uncertain Significance.

NM_198586.3(NHLRC1):c.797G>A (p.Gly266Glu)

Gene: NHLRC1 (NHL repeat containing E3 ubiquitin protein ligase 1; minus strand). Cytogenetic location: 6p22.3.
Variant type: single nucleotide variant.
Coding change: c.797G>A on transcript NM_198586.3 (MANE Select); coding-DNA position 797, G replaced by A.
Protein change: p.Gly266Glu; replaces glycine 266 with glutamic acid.
Molecular consequence: missense variant.
Genome position (GRCh38, 1-based): chr6:18,121,810, C>T on the plus strand (G>A on the coding strand, the complement: NHLRC1 is on the minus strand). VCF-style: chr6-18121810-C-T. GRCh37 (hg19) VCF-style: chr6-18122041-C-T.
Other names: short protein forms G266E.
Identifiers: ClinVar variation 1969108 (VCV001969108.5), dbSNP rs1783739245, ClinGen allele CA362826073.
Genomic context (GRCh38, chr6:18,121,810, plus strand): 5'-CCCAGGGCCAGGGGGTGCTCCAGGACCGCAATGGCCCCGGTGAGCCAAGACACTGCCACC[C>T]CTCGGGGATTGCACAGATGAGCTTGCAACCTTTCAGTTCTCCGAAGGACCCCTTCCGCGA-3'
Protein context (NP_940988.2, residues 256-276): RLQAHLCNPR[Gly266Glu]VAVSWLTGAI